The following is an entry in ClinVar:

ClinVar aggregate classification (germline): Uncertain significance. Review status: criteria provided, multiple submitters, no conflicts (2 of 4 stars). 2 submissions from 2 submitters: Uncertain significance (2). Last evaluated 2023-06-02.

Conditions:
Inborn genetic diseases. Identifiers: MedGen C0950123, MeSH D030342.
TH-deficient dopa-responsive dystonia. Also called: Tyrosine Hydroxylase-Deficient Dopa-Responsive Dystonia; Segawa syndrome, autosomal recessive; DYT-TH. Identifiers: Orphanet 101150, MedGen C2673535, MONDO:0011551, OMIM 605407.

Allele frequency attached by ClinVar (database versions not stated): gnomAD exomes below 0.00001; TOPMed 0.00001.
gnomAD v4.1: 7 of 1,613,526 alleles (0.00043%); highest among the groups gnomAD compares: African/African-American, 0.0013%; no homozygotes.

Submissions (2):

Ambry Genetics
Classification: Uncertain significance for Inborn genetic diseases. Last evaluated: 2023-06-02. Review status: criteria provided, single submitter. Criteria: Ambry Variant Classification Scheme 2023. Collection method: clinical testing. Allele origin: germline.

Labcorp Genetics (formerly Invitae), Labcorp
Classification: Uncertain significance for TH-deficient dopa-responsive dystonia. Last evaluated: 2021-09-24. Review status: criteria provided, single submitter. Criteria: Invitae Variant Classification Sherloc (09022015). Collection method: clinical testing. Allele origin: germline.
Comment: This sequence change replaces valine with methionine at codon 131 of the TH protein (p.Val131Met). The valine residue is moderately conserved and there is a small physicochemical difference between valine and methionine. This variant is not present in population databases (ExAC no frequency). This variant has not been reported in the literature in individuals with TH-related conditions. Advanced modeling of protein sequence and biophysical properties (such as structural, functional, and spatial information, amino acid conservation, physicochemical variation, residue mobility, and thermodynamic stability) performed at Invitae indicates that this missense variant is not expected to disrupt TH protein function. In summary, the available evidence is currently insufficient to determine the role of this variant in disease. Therefore, it has been classified as a Variant of Uncertain Significance.

NM_000360.4(TH):c.298G>A (p.Val100Met)

Gene: TH (tyrosine hydroxylase; minus strand). Cytogenetic location: 11p15.5.
Variant type: single nucleotide variant.
Coding change: c.298G>A on transcript NM_000360.4 (MANE Select); coding-DNA position 298, G replaced by A.
Protein change: p.Val100Met; replaces valine 100 with methionine.
Molecular consequence: missense variant.
Genome position (GRCh38, 1-based): chr11:2,169,664, C>T on the plus strand (G>A on the coding strand, the complement: TH is on the minus strand). VCF-style: chr11-2169664-C-T. GRCh37 (hg19) VCF-style: chr11-2190894-C-T.
Other names: c.391G>A, p.Val131Met (NM_199292.3); c.379G>A, p.Val127Met (NM_199293.3); c.391G>A (NM_199292.2); short protein forms V100M, V127M, V131M.
Identifiers: ClinVar variation 1404921 (VCV001404921.6), dbSNP rs1353856728, ClinGen allele CA379112148.